The following is an entry in ClinVar:

NM_002972.4(SBF1):c.2279A>G (p.Tyr760Cys)

Gene: SBF1 (SET binding factor 1; minus strand). Cytogenetic location: 22q13.33.
Variant type: single nucleotide variant.
Coding change: c.2279A>G on transcript NM_002972.4 (MANE Select); coding-DNA position 2279, A replaced by G.
Protein change: p.Tyr760Cys; replaces tyrosine 760 with cysteine.
Molecular consequence: missense variant.
Genome position (GRCh38, 1-based): chr22:50,462,322, T>C on the plus strand (A>G on the coding strand, the complement: SBF1 is on the minus strand). VCF-style: chr22-50462322-T-C. GRCh37 (hg19) VCF-style: chr22-50900751-T-C.
Other names: c.2282A>G, p.Tyr761Cys (NM_001365819.1, NM_001410794.1); c.2279A>G, p.Tyr760Cys (NM_001410795.1, NM_197971.1); short protein forms Y761C, Y760C.
Identifiers: ClinVar variation 3157990 (VCV003157990.2), dbSNP rs1468813021, ClinGen allele CA412210493.
Genomic context (GRCh38, chr22:50,462,322, plus strand): 5'-CGAAGTAGGCGGCTCTTGCTGCTGTCCAGGGGCAGGAGGAGGTAGCTCATGCGGTTGGCA[T>C]AGTGGATGGCCTGGCTGAACACCGTGCTCTCCTCCTTCTGCACCAGCTCCTGCTGCTTCT-3'
Protein context (NP_002963.2, residues 750-770): ESTVFSQAIH[Tyr760Cys]ANRMSYLLLP

ClinVar aggregate classification (germline): Uncertain significance. Review status: criteria provided, multiple submitters, no conflicts (2 of 4 stars). 2 submissions from 2 submitters: Uncertain significance (2). Last evaluated 2024-06-12.

Allele frequency attached by ClinVar (database versions not stated): TOPMed below 0.00001; gnomAD 0.00001.
gnomAD v4.1: 16 of 1,613,958 alleles (0.00099%); highest among the groups gnomAD compares: South Asian, 0.0055%; no homozygotes.

Submissions (2):

GeneDx
Classification: Uncertain significance. Last evaluated: 2024-06-12. Review status: criteria provided, single submitter. Criteria: GeneDx Variant Classification Process June 2021. Collection method: clinical testing. Allele origin: germline. Affected: yes.
Comment: Not observed at a significant frequency in large population cohorts (gnomAD); In silico analysis supports that this missense variant has a deleterious effect on protein structure/function; Has not been previously published as pathogenic or benign to our knowledge

Ambry Genetics
Classification: Uncertain significance. Last evaluated: 2024-01-30. Review status: criteria provided, single submitter. Criteria: Ambry Variant Classification Scheme 2023. Collection method: clinical testing. Allele origin: germline.